The following is an entry in ClinVar:

ClinVar aggregate classification (germline): Likely benign (0 of 4 stars; one submission).

Conditions:
STXBP5L-related disorder. Also called: STXBP5L-related condition.

Allele frequency attached by ClinVar (database versions not stated): gnomAD exomes 0.00004; ExAC 0.00007; gnomAD 0.00018; TOPMed 0.00020; 1000 Genomes Project 0.00060; 1000 Genomes Project 30x 0.00078.
gnomAD v4.1: 88 of 1,605,724 alleles (0.0055%); highest among the groups gnomAD compares: Admixed American, 0.099%; no homozygotes.

Submission:

PreventionGenetics, part of Exact Sciences
Classification: Likely benign for STXBP5L-related condition. Last evaluated: 2020-01-08. Review status: no assertion criteria provided. Collection method: clinical testing. Allele origin: germline.
Comment: This variant is classified as likely benign based on ACMG/AMP sequence variant interpretation guidelines (Richards et al. 2015 PMID: 25741868, with internal and published modifications).

NM_001308330.2(STXBP5L):c.2986T>C (p.Leu996=)

Gene: STXBP5L (syntaxin binding protein 5L; plus strand). Cytogenetic location: 3q13.33.
Variant type: single nucleotide variant.
Coding change: c.2986T>C on transcript NM_001308330.2 (MANE Select); coding-DNA position 2986, T replaced by C.
Protein change: p.Leu996=; no amino-acid change (leucine 996 retained).
Molecular consequence: synonymous variant. On other transcripts: non-coding transcript variant (1).
Genome position (GRCh38, 1-based): chr3:121,413,195, T>C. VCF-style: chr3-121413195-T-C. GRCh37 (hg19) VCF-style: chr3-121132042-T-C.
Other names: c.3058T>C, p.Leu1020= (NM_001348343.2, NM_014980.3); c.2986T>C, p.Leu996= (NM_001348344.2, NM_001348345.2).
Identifiers: ClinVar variation 3051920 (VCV003051920.2), dbSNP rs183828872, ClinGen allele CA2561943.